The following is an entry in ClinVar:

NM_000368.5(TSC1):c.2454C>A (p.Asn818Lys)

Gene: TSC1 (TSC complex subunit 1; minus strand). Cytogenetic location: 9q34.13.
Variant type: single nucleotide variant.
Coding change: c.2454C>A on transcript NM_000368.5 (MANE Select); coding-DNA position 2454, C replaced by A.
Protein change: p.Asn818Lys; replaces asparagine 818 with lysine.
Molecular consequence: missense variant.
Genome position (GRCh38, 1-based): chr9:132,901,637, G>T on the plus strand (C>A on the coding strand, the complement: TSC1 is on the minus strand). VCF-style: chr9-132901637-G-T. GRCh37 (hg19) VCF-style: chr9-135777024-G-T.
Other names: c.2451C>A, p.Asn817Lys (NM_001162426.2); c.2301C>A, p.Asn767Lys (NM_001162427.2); c.2091C>A, p.Asn697Lys (NM_001362177.2); c.2454C>A (NM_000368.4); short protein forms N697K, N818K, N767K, N817K.
Identifiers: ClinVar variation 1472190 (VCV001472190.7), dbSNP rs1014587956, ClinGen allele CA375358530.

ClinVar aggregate classification (germline): Uncertain significance. Review status: criteria provided, multiple submitters, no conflicts (2 of 4 stars). 2 submissions from 2 submitters: Uncertain significance (2). Last evaluated 2025-10-05.

Conditions:
Hereditary cancer-predisposing syndrome. Also called: Hereditary neoplastic syndrome; Tumor predisposition; Neoplastic Syndromes, Hereditary; Hereditary Cancer Syndrome. Identifiers: Orphanet 140162, MedGen C0027672, MeSH D009386, MONDO:0015356.
Tuberous sclerosis 1 (TSC1). Identifiers: Orphanet 805, MedGen C1854465, MONDO:0008612, OMIM 191100.

Allele frequency attached by ClinVar (database versions not stated): gnomAD exomes below 0.00001.
gnomAD v4.1: 3 of 1,614,150 alleles (0.00019%); highest among the groups gnomAD compares: Non-Finnish European, 0.00025%; no homozygotes.

Submissions (2):

Ambry Genetics
Classification: Uncertain significance for Hereditary cancer-predisposing syndrome. Last evaluated: 2025-10-05. Review status: criteria provided, single submitter. Criteria: Ambry Variant Classification Scheme 2023. Collection method: clinical testing. Allele origin: germline.
Comment: The p.N818K variant (also known as c.2454C>A), located in coding exon 17 of the TSC1 gene, results from a C to A substitution at nucleotide position 2454. The asparagine at codon 818 is replaced by lysine, an amino acid with similar properties. This amino acid position is conserved. In addition, this alteration is predicted to be tolerated by in silico analysis. Based on the available evidence, the clinical significance of this variant remains unclear.

Labcorp Genetics (formerly Invitae), Labcorp
Classification: Uncertain significance for Tuberous sclerosis 1. Last evaluated: 2024-05-06. Review status: criteria provided, single submitter. Criteria: Invitae Variant Classification Sherloc (09022015). Collection method: clinical testing. Allele origin: germline.
Comment: This sequence change replaces asparagine, which is neutral and polar, with lysine, which is basic and polar, at codon 818 of the TSC1 protein (p.Asn818Lys). This variant is not present in population databases (gnomAD no frequency). This variant has not been reported in the literature in individuals affected with TSC1-related conditions. ClinVar contains an entry for this variant (Variation ID: 1472190). Advanced modeling of protein sequence and biophysical properties (such as structural, functional, and spatial information, amino acid conservation, physicochemical variation, residue mobility, and thermodynamic stability) performed at Invitae indicates that this missense variant is not expected to disrupt TSC1 protein function with a negative predictive value of 95%. In summary, the available evidence is currently insufficient to determine the role of this variant in disease. Therefore, it has been classified as a Variant of Uncertain Significance.